The following is an entry in ClinVar:

ClinVar aggregate classification (germline): Uncertain significance (1 of 4 stars; one submission).

Submission:

Women's Health and Genetics/Laboratory Corporation of America, LabCorp
Classification: Uncertain significance. Last evaluated: 2025-10-23. Review status: criteria provided, single submitter. Criteria: LabCorp Variant Classification Summary - May 2015. Collection method: clinical testing. Allele origin: germline.
Comment: Variant summary: ARID1B c.4442A>T (p.Tyr1481Phe) results in a conservative amino acid change in the encoded protein sequence. Algorithms developed to predict the effect of missense changes on protein structure and function are either unavailable or do not agree on the potential impact of this missense change. The variant was absent in 243224 control chromosomes. The available data on variant occurrences in the general population are insufficient to allow any conclusion about variant significance. To our knowledge, no occurrence of c.4442A>T in individuals affected with ARID1B-related conditions and no experimental evidence demonstrating its impact on protein function have been reported. No submitters have cited clinical-significance assessments for this variant to ClinVar. Based on the evidence outlined above, the variant was classified as uncertain significance.

NM_001374828.1(ARID1B):c.4442A>T (p.Tyr1481Phe)

Gene: ARID1B (AT-rich interaction domain 1B; plus strand). Cytogenetic location: 6q25.3.
Variant type: single nucleotide variant.
Coding change: c.4442A>T on transcript NM_001374828.1 (MANE Select); coding-DNA position 4442, A replaced by T.
Protein change: p.Tyr1481Phe; replaces tyrosine 1481 with phenylalanine.
Molecular consequence: missense variant.
Genome position (GRCh38, 1-based): chr6:157,198,870, A>T. VCF-style: chr6-157198870-A-T. GRCh37 (hg19) VCF-style: chr6-157520004-A-T.
Other names: c.1943A>T, p.Tyr648Phe (NM_001363725.2); c.4322A>T, p.Tyr1441Phe (NM_001371656.1, NM_001374820.1); c.4571A>T, p.Tyr1524Phe (NM_001438482.1); c.4484A>T, p.Tyr1495Phe (NM_001438483.1); c.4352A>T, p.Tyr1451Phe (NM_001438485.1); c.4325A>T, p.Tyr1442Phe (NM_001438486.1); c.4262A>T, p.Tyr1421Phe (NM_001438487.1); c.1784A>T, p.Tyr595Phe (NM_001438488.1); and 1 more; short protein forms Y1421F, Y1428F, Y1441F, Y1442F, Y1451F, Y1481F, Y1495F, Y1524F.
Identifiers: ClinVar variation 4687800 (VCV004687800.1).